The following is an entry in ClinVar:

NM_001062.4(TCN1):c.683T>C (p.Ile228Thr)

Gene: TCN1 (transcobalamin 1; minus strand). Cytogenetic location: 11q12.1.
Variant type: single nucleotide variant.
Coding change: c.683T>C on transcript NM_001062.4 (MANE Select); coding-DNA position 683, T replaced by C.
Protein change: p.Ile228Thr; replaces isoleucine 228 with threonine.
Molecular consequence: missense variant.
Genome position (GRCh38, 1-based): chr11:59,859,141, A>G on the plus strand (T>C on the coding strand, the complement: TCN1 is on the minus strand). VCF-style: chr11-59859141-A-G. GRCh37 (hg19) VCF-style: chr11-59626614-A-G.
Other names: short protein forms I228T.
Identifiers: ClinVar variation 847749 (VCV000847749.8), dbSNP rs143824687, ClinGen allele CA6021941.

ClinVar aggregate classification (germline): Uncertain significance. Review status: criteria provided, multiple submitters, no conflicts (2 of 4 stars). 2 submissions from 2 submitters: Uncertain significance (2). Last evaluated 2025-08-19.

Conditions:
Transcobalamin I deficiency (TCN1D). Also called: TCN1 DEFICIENCY; COBALAMIN PSEUDODEFICIENCY DUE TO TRANSCOBALAMIN DEFICIENCY; COBALAMIN R BINDER PROTEIN DEFICIENCY. Identifiers: Orphanet 2967, MedGen C0342700, MONDO:0008659, OMIM 193090.

Allele frequency attached by ClinVar (database versions not stated): ExAC 0.00005; gnomAD exomes 0.00006 and 0.00007; TOPMed 0.00007; gnomAD 0.00008 and 0.00009; ESP Exome Variant Server 0.00015.
gnomAD v4.1: 101 of 1,614,000 alleles (0.0063%); highest among the groups gnomAD compares: Middle Eastern, 0.016%; no homozygotes.

Submissions (2):

Ambry Genetics
Classification: Uncertain significance. Last evaluated: 2025-08-19. Review status: criteria provided, single submitter. Criteria: Ambry Variant Classification Scheme 2023. Collection method: clinical testing. Allele origin: germline.

Labcorp Genetics (formerly Invitae), Labcorp
Classification: Uncertain significance for Transcobalamin I deficiency. Last evaluated: 2021-08-31. Review status: criteria provided, single submitter. Criteria: Invitae Variant Classification Sherloc (09022015). Collection method: clinical testing. Allele origin: germline.
Comment: This sequence change replaces isoleucine with threonine at codon 228 of the TCN1 protein (p.Ile228Thr). The isoleucine residue is highly conserved and there is a moderate physicochemical difference between isoleucine and threonine. This variant is present in population databases (rs143824687, ExAC 0.009%). This variant has not been reported in the literature in individuals affected with TCN1-related conditions. Algorithms developed to predict the effect of missense changes on protein structure and function output the following: SIFT: "Deleterious"; PolyPhen-2: "Possibly Damaging"; Align-GVGD: "Class C0". The threonine amino acid residue is found in multiple mammalian species, which suggests that this missense change does not adversely affect protein function. In summary, the available evidence is currently insufficient to determine the role of this variant in disease. Therefore, it has been classified as a Variant of Uncertain Significance.